The following is an entry in ClinVar:

NM_001371986.1(UNC80):c.3778G>A (p.Gly1260Ser)

Genes: UNC80 (unc-80 subunit of NALCN channel complex; plus strand), LOC121725110 (Sharpr-MPRA regulatory region 8902; plus strand). Cytogenetic location: 2q34.
Variant type: single nucleotide variant.
Coding change: c.3778G>A on transcript NM_001371986.1 (MANE Select); coding-DNA position 3778, G replaced by A.
Protein change: p.Gly1260Ser; replaces glycine 1260 with serine.
Molecular consequence: missense variant.
Genome position (GRCh38, 1-based): chr2:209,872,908, G>A. VCF-style: chr2-209872908-G-A. GRCh37 (hg19) VCF-style: chr2-210737632-G-A.
Other names: c.3784G>A, p.Gly1262Ser (NM_032504.2); c.3769G>A, p.Gly1257Ser (NM_182587.4); c.3784G>A (NM_032504.1); short protein forms G1257S, G1260S, G1262S.
Identifiers: ClinVar variation 1424203 (VCV001424203.6), dbSNP rs745559362, ClinGen allele CA2083153.

ClinVar aggregate classification (germline): Uncertain significance. Review status: criteria provided, multiple submitters, no conflicts (2 of 4 stars). 3 submissions from 3 submitters: Uncertain significance (3). Last evaluated 2024-10-17.

Conditions:
Inborn genetic diseases. Identifiers: MedGen C0950123, MeSH D030342.

Allele frequency attached by ClinVar (database versions not stated): gnomAD 0.00003; TOPMed 0.00003; ExAC 0.00005; gnomAD exomes 0.00008.
gnomAD v4.1: 140 of 1,551,432 alleles (0.009%); highest among the groups gnomAD compares: South Asian, 0.038%; no homozygotes.

Submissions (3):

Labcorp Genetics (formerly Invitae), Labcorp
Classification: Uncertain significance. Last evaluated: 2024-10-17. Review status: criteria provided, single submitter. Criteria: Invitae Variant Classification Sherloc (09022015). Collection method: clinical testing. Allele origin: germline.
Comment: This sequence change replaces glycine, which is neutral and non-polar, with serine, which is neutral and polar, at codon 1262 of the UNC80 protein (p.Gly1262Ser). This variant is present in population databases (rs745559362, gnomAD 0.03%). This variant has not been reported in the literature in individuals affected with UNC80-related conditions. ClinVar contains an entry for this variant (Variation ID: 1424203). An algorithm developed to predict the effect of missense changes on protein structure and function (PolyPhen-2) suggests that this variant is likely to be disruptive. In summary, the available evidence is currently insufficient to determine the role of this variant in disease. Therefore, it has been classified as a Variant of Uncertain Significance.

Blueprint Genetics
Classification: Uncertain significance. Last evaluated: 2024-08-02. Review status: criteria provided, single submitter. Criteria: ACMG Guidelines, 2015. Collection method: clinical testing. Allele origin: germline.

Ambry Genetics
Classification: Uncertain significance for Inborn genetic diseases. Last evaluated: 2022-04-22. Review status: criteria provided, single submitter. Criteria: Ambry Variant Classification Scheme 2023. Collection method: clinical testing. Allele origin: germline.